The following is an entry in ClinVar:

ClinVar aggregate classification (germline): Uncertain significance (1 of 4 stars; one submission).

Submission:

Labcorp Genetics (formerly Invitae), Labcorp
Classification: Uncertain significance. Last evaluated: 2023-05-22. Review status: criteria provided, single submitter. Criteria: Invitae Variant Classification Sherloc (09022015). Collection method: clinical testing. Allele origin: germline.
Comment: This variant is not present in population databases (gnomAD no frequency). This sequence change replaces threonine, which is neutral and polar, with serine, which is neutral and polar, at codon 357 of the HK1 protein (p.Thr357Ser). This variant has not been reported in the literature in individuals affected with HK1-related conditions. In summary, the available evidence is currently insufficient to determine the role of this variant in disease. Therefore, it has been classified as a Variant of Uncertain Significance. Advanced modeling of protein sequence and biophysical properties (such as structural, functional, and spatial information, amino acid conservation, physicochemical variation, residue mobility, and thermodynamic stability) performed at Invitae indicates that this missense variant is not expected to disrupt HK1 protein function. ClinVar contains an entry for this variant (Variation ID: 1383043).

NM_000188.3(HK1):c.1069A>T (p.Thr357Ser)

Gene: HK1 (hexokinase 1; plus strand). Cytogenetic location: 10q22.1.
Variant type: single nucleotide variant.
Coding change: c.1069A>T on transcript NM_000188.3 (MANE Select); coding-DNA position 1069, A replaced by T.
Protein change: p.Thr357Ser; replaces threonine 357 with serine.
Molecular consequence: missense variant.
Genome position (GRCh38, 1-based): chr10:69,379,899, A>T. VCF-style: chr10-69379899-A-T. GRCh37 (hg19) VCF-style: chr10-71139655-A-T.
Other names: c.1081A>T, p.Thr361Ser (NM_001322364.2, NM_001358263.1, NM_033497.3 and 1 more transcripts); c.1174A>T, p.Thr392Ser (NM_001322365.2); c.985A>T, p.Thr329Ser (NM_001322366.1); c.973A>T, p.Thr325Ser (NM_001322367.1); c.1066A>T, p.Thr356Ser (NM_033496.3); c.1033A>T, p.Thr345Ser (NM_033500.2); short protein forms T329S, T345S, T356S, T361S, T392S, T325S, T357S.
Identifiers: ClinVar variation 1383043 (VCV001383043.6), dbSNP rs745929063, ClinGen allele CA376917239.
Genomic context (GRCh38, chr10:69,379,899, plus strand): 5'-AGTATTGGCTTCTAACTTCACAGGAATAAGGAAGGCCTCCACAATGCCAAAGAAATCCTG[A>T]CCCGCCTGGGAGTGGAGCCGTCCGATGATGACTGTGTCTCAGTCCAGCACGTTTGCACCA-3'
Protein context (NP_000179.2, residues 347-367): EGLHNAKEIL[Thr357Ser]RLGVEPSDDD